The following is an entry in ClinVar:

NM_001256715.2(DNAAF3):c.1421C>T (p.Pro474Leu)

Gene: DNAAF3 (dynein axonemal assembly factor 3; minus strand). Cytogenetic location: 19q13.42.
Variant type: single nucleotide variant.
Coding change: c.1421C>T on transcript NM_001256715.2 (MANE Select); coding-DNA position 1421, C replaced by T.
Protein change: p.Pro474Leu; replaces proline 474 with leucine.
Molecular consequence: missense variant.
Genome position (GRCh38, 1-based): chr19:55,159,267, G>A on the plus strand (C>T on the coding strand, the complement: DNAAF3 is on the minus strand). VCF-style: chr19-55159267-G-A. GRCh37 (hg19) VCF-style: chr19-55670635-G-A.
Other names: c.1622C>T, p.Pro541Leu (NM_001256714.1); c.1259C>T, p.Pro420Leu (NM_001256716.2); c.1562C>T, p.Pro521Leu (NM_178837.4); short protein forms P521L, P420L, P474L, P541L.
Identifiers: ClinVar variation 1979955 (VCV001979955.2), dbSNP rs200919669, ClinGen allele CA310152109.

ClinVar aggregate classification (germline): Conflicting classifications of pathogenicity. Review status: criteria provided, conflicting classifications (1 of 4 stars). 2 submissions from 2 submitters: Uncertain significance (1); Likely benign (1). Last evaluated 2025-04-11.

Conditions:
Primary ciliary dyskinesia. Also called: Ciliary dyskinesia. Identifiers: Orphanet 244, MedGen C0008780, MONDO:0016575, HP:0012265.

Allele frequency attached by ClinVar (database versions not stated): gnomAD exomes 0.00002; gnomAD 0.00004; TOPMed 0.00004; ESP Exome Variant Server 0.00008.
gnomAD v4.1: 29 of 1,613,936 alleles (0.0018%); highest among the groups gnomAD compares: African/African-American, 0.0053%; no homozygotes.

Submissions (2):

Ambry Genetics
Classification: Likely benign for Primary ciliary dyskinesia. Last evaluated: 2025-04-11. Review status: criteria provided, single submitter. Criteria: Ambry Variant Classification Scheme 2023. Collection method: clinical testing. Allele origin: germline.

Labcorp Genetics (formerly Invitae), Labcorp
Classification: Uncertain significance for Primary ciliary dyskinesia. Last evaluated: 2022-07-27. Review status: criteria provided, single submitter. Criteria: Invitae Variant Classification Sherloc (09022015). Collection method: clinical testing. Allele origin: germline.
Comment: This sequence change replaces proline, which is neutral and non-polar, with leucine, which is neutral and non-polar, at codon 541 of the DNAAF3 protein (p.Pro541Leu). This variant is present in population databases (rs200919669, gnomAD 0.01%). This variant has not been reported in the literature in individuals affected with DNAAF3-related conditions. Algorithms developed to predict the effect of missense changes on protein structure and function output the following: SIFT: "Tolerated"; PolyPhen-2: "Benign"; Align-GVGD: "Class C0". The leucine amino acid residue is found in multiple mammalian species, which suggests that this missense change does not adversely affect protein function. In summary, the available evidence is currently insufficient to determine the role of this variant in disease. Therefore, it has been classified as a Variant of Uncertain Significance.